The following is an entry in ClinVar:

ClinVar aggregate classification (germline): Uncertain significance (1 of 4 stars; one submission).

Conditions:
Mitochondrial complex V (ATP synthase) deficiency, nuclear type 2. Also called: Nuclear-Encoded ATPase Deficiency, TMEM70-Related; ENCEPHALOCARDIOMYOPATHY, MITOCHONDRIAL, NEONATAL, DUE TO ATP SYNTHASE DEFICIENCY; MITOCHONDRIAL COMPLEX V (ATP SYNTHASE) DEFICIENCY, TMEM70 TYPE. Identifiers: Orphanet 1194, MedGen C3279699, MONDO:0013546, OMIM 614052.

Allele frequency attached by ClinVar (database versions not stated): TOPMed below 0.00001; gnomAD 0.00001.
gnomAD v4.1: 1 of 1,613,730 alleles (0.000062%); highest among the groups gnomAD compares: Non-Finnish European, 0.000085%; no homozygotes.

Submission:

Labcorp Genetics (formerly Invitae), Labcorp
Classification: Uncertain significance for Mitochondrial complex V (ATP synthase) deficiency, nuclear type 2. Last evaluated: 2022-07-14. Review status: criteria provided, single submitter. Criteria: Invitae Variant Classification Sherloc (09022015). Collection method: clinical testing. Allele origin: germline.
Comment: In summary, the available evidence is currently insufficient to determine the role of this variant in disease. Therefore, it has been classified as a Variant of Uncertain Significance. Algorithms developed to predict the effect of missense changes on protein structure and function (SIFT, PolyPhen-2, Align-GVGD) all suggest that this variant is likely to be disruptive. ClinVar contains an entry for this variant (Variation ID: 1409815). This variant has not been reported in the literature in individuals affected with TMEM70-related conditions. This variant is not present in population databases (gnomAD no frequency). This sequence change replaces serine, which is neutral and polar, with proline, which is neutral and non-polar, at codon 111 of the TMEM70 protein (p.Ser111Pro).

NM_017866.6(TMEM70):c.331T>C (p.Ser111Pro)

Gene: TMEM70 (transmembrane protein 70; plus strand). Cytogenetic location: 8q21.11.
Variant type: single nucleotide variant.
Coding change: c.331T>C on transcript NM_017866.6 (MANE Select); coding-DNA position 331, T replaced by C.
Protein change: p.Ser111Pro; replaces serine 111 with proline.
Molecular consequence: missense variant. On other transcripts: 3 prime UTR variant (1), non-coding transcript variant (1).
Genome position (GRCh38, 1-based): chr8:73,981,169, T>C. VCF-style: chr8-73981169-T-C. GRCh37 (hg19) VCF-style: chr8-74893404-T-C.
Other names: c.*21T>C (NM_001040613.3); short protein forms S111P.
Identifiers: ClinVar variation 1409815 (VCV001409815.6), dbSNP rs1369144121, ClinGen allele CA371489763.
Genomic context (GRCh38, chr8:73,981,169, plus strand): 5'-TATAAAATTTAAAAGTATTGATCCTCTCTCTTTTTTTCCCATTTAGGTGTGAAATGTTTC[T>C]CTTATTCTACGAGTCTGATTGGCCTTACATTTCTGCCATACATTTTTACACAAAATAATG-3'
Protein context (NP_060336.3, residues 101-121): ARAVFGVKCF[Ser111Pro]YSTSLIGLTF